The following is an entry in ClinVar:

NM_000321.3(RB1):c.1695+5G>T

Gene: RB1 (RB transcriptional corepressor 1; plus strand). Cytogenetic location: 13q14.2.
Variant type: single nucleotide variant.
Coding change: c.1695+5G>T on transcript NM_000321.3 (MANE Select); 5 bases into the intron after coding-DNA position 1695, G replaced by T.
Molecular consequence: intron variant. On other transcripts: missense variant (1).
Genome position (GRCh38, 1-based): chr13:48,381,448, G>T. VCF-style: chr13-48381448-G-T. GRCh37 (hg19) VCF-style: chr13-48955584-G-T.
Other names: c.1700G>T, p.Ser567Ile (NM_001407166.1); c.1695+5G>T (NM_001407165.1); short protein forms S567I.
Identifiers: ClinVar variation 3724254 (VCV003724254.3).
Genomic context (GRCh38, chr13:48,381,448, plus strand): 5'-TAAAACATTTAGAACGATGTGAACATCGAATCATGGAATCCCTTGCATGGCTCTCAGTAA[G>T]TAGCTAAATAATTGAAGAAATTCATTCATGTGCATATGGCTAACAAATTATTGTTAGTGA-3'

ClinVar aggregate classification (germline): Likely pathogenic (1 of 4 stars; one submission).
ClinVar aggregate classification (oncogenicity): Uncertain significance (1 of 4 stars; one submission).

Conditions:
Retinoblastoma (RB1). Also called: RETINOBLASTOMA, SOMATIC. Identifiers: Orphanet 790, MedGen C0035335, MeSH D012175, MONDO:0008380, OMIM 180200, HP:0009919. Disease mechanism: loss of function. Inheritance: Both sporadic and heritable forms are tested..
Neoplasm. Also called: tumor; Neoplasms; Neoplasm (disease). Identifiers: MedGen C0027651, MeSH D009369, MONDO:0005070, HP:0002664.

Submissions (2):

Center for Genomic Medicine, Rigshospitalet, Copenhagen University Hospital
Classification: Uncertain significance for Neoplasm. Last evaluated: 2025-12-29. Review status: criteria provided, single submitter. Criteria: ClinGen/CGC/VICC Guidelines for Oncogenicity, 2022. Collection method: clinical testing. Allele origin: somatic. Affected: yes.

Labcorp Genetics (formerly Invitae), Labcorp
Classification: Likely pathogenic for Retinoblastoma. Last evaluated: 2024-12-22. Review status: criteria provided, single submitter. Criteria: Invitae Variant Classification Sherloc (09022015). Collection method: clinical testing. Allele origin: germline.
Comment: This sequence change falls in intron 17 of the RB1 gene. It does not directly change the encoded amino acid sequence of the RB1 protein. It affects a nucleotide within the consensus splice site. This variant is not present in population databases (gnomAD no frequency). This variant has been observed in individual(s) with retinoblastoma (PMID: 34680218). Variants that disrupt the consensus splice site are a relatively common cause of aberrant splicing (PMID: 17576681, 9536098). Algorithms developed to predict the effect of sequence changes on RNA splicing suggest that this variant may disrupt the consensus splice site. This variant disrupts the c.1695+5G nucleotide in the RB1 gene. Other variant(s) that disrupt this nucleotide have been determined to be pathogenic (PMID: 14722923; internal data). This suggests that this nucleotide is clinically significant, and that variants that disrupt this position are likely to be disease-causing. In summary, the currently available evidence indicates that the variant is pathogenic, but additional data are needed to prove that conclusively. Therefore, this variant has been classified as Likely Pathogenic.

Literature cited by the submitters: PubMed 34680218 (cited by Labcorp Genetics (formerly Invitae), Labcorp); PubMed 17576681 (cited by Labcorp Genetics (formerly Invitae), Labcorp); PubMed 9536098 (cited by Labcorp Genetics (formerly Invitae), Labcorp); PubMed 14722923 (cited by Labcorp Genetics (formerly Invitae), Labcorp).